The following is an entry in ClinVar:

ClinVar aggregate classification (germline): Uncertain significance (1 of 4 stars; one submission).

Conditions:
Joubert syndrome. Also called: CEREBELLOPARENCHYMAL DISORDER IV; JOUBERT-BOLTSHAUSER SYNDROME; Familial aplasia of the vermis. Identifiers: Orphanet 475, MedGen C5979921, MONDO:0018772.
Orofaciodigital syndrome I (OFD1). Also called: OFDS I; Papillon-Leage and Psaume Syndrome; Oral-Facial-Digital Syndrome Type I. Identifiers: Orphanet 2750, MedGen C1510460, MONDO:0010702, OMIM 311200.

Allele frequency attached by ClinVar (database versions not stated): gnomAD exomes below 0.00001; ExAC 0.00001.
gnomAD v4.1: 2 of 1,211,046 alleles (0.00017%); highest among the groups gnomAD compares: Non-Finnish European, 0.00022%; no homozygotes.

Submission:

Labcorp Genetics (formerly Invitae), Labcorp
Classification: Uncertain significance for Orofaciodigital syndrome I; Joubert syndrome. Last evaluated: 2022-06-09. Review status: criteria provided, single submitter. Criteria: Invitae Variant Classification Sherloc (09022015). Collection method: clinical testing. Allele origin: germline.
Comment: Algorithms developed to predict the effect of missense changes on protein structure and function output the following: SIFT: "Tolerated"; PolyPhen-2: "Benign"; Align-GVGD: "Class C0". The proline amino acid residue is found in multiple mammalian species, which suggests that this missense change does not adversely affect protein function. In summary, the available evidence is currently insufficient to determine the role of this variant in disease. Therefore, it has been classified as a Variant of Uncertain Significance. This variant has not been reported in the literature in individuals affected with OFD1-related conditions. This variant is not present in population databases (gnomAD no frequency). This sequence change replaces glutamine, which is neutral and polar, with proline, which is neutral and non-polar, at codon 837 of the OFD1 protein (p.Gln837Pro).

NM_003611.3(OFD1):c.2510A>C (p.Gln837Pro)

Gene: OFD1 (OFD1 centriole and centriolar satellite protein; plus strand). Cytogenetic location: Xp22.2.
Variant type: single nucleotide variant.
Coding change: c.2510A>C on transcript NM_003611.3 (MANE Select); coding-DNA position 2510, A replaced by C.
Protein change: p.Gln837Pro; replaces glutamine 837 with proline.
Molecular consequence: missense variant.
Genome position (GRCh38, 1-based): chrX:13,763,766, A>C. VCF-style: chrX-13763766-A-C. GRCh37 (hg19) VCF-style: chrX-13781885-A-C.
Other names: c.2390A>C, p.Gln797Pro (NM_001330209.2); c.2090A>C, p.Gln697Pro (NM_001330210.2); short protein forms Q697P, Q797P, Q837P.
Identifiers: ClinVar variation 1903257 (VCV001903257.5), dbSNP rs753929675, ClinGen allele CA10352030.